The following is an entry in ClinVar:

NM_017662.5(TRPM6):c.1450G>A (p.Gly484Arg)

Gene: TRPM6 (transient receptor potential cation channel subfamily M member 6; minus strand). Cytogenetic location: 9q21.13.
Variant type: single nucleotide variant.
Coding change: c.1450G>A on transcript NM_017662.5 (MANE Select); coding-DNA position 1450, G replaced by A.
Protein change: p.Gly484Arg; replaces glycine 484 with arginine.
Molecular consequence: missense variant.
Genome position (GRCh38, 1-based): chr9:74,810,862, C>T on the plus strand (G>A on the coding strand, the complement: TRPM6 is on the minus strand). VCF-style: chr9-74810862-C-T. GRCh37 (hg19) VCF-style: chr9-77425778-C-T.
Other names: c.1435G>A, p.Gly479Arg (NM_001177310.2, NM_001177311.2); short protein forms G479R, G484R.
Identifiers: ClinVar variation 714428 (VCV000714428.14), dbSNP rs77826848, ClinGen allele CA5084827.

ClinVar aggregate classification (germline): Benign. Review status: criteria provided, multiple submitters, no conflicts (2 of 4 stars). 3 submissions from 3 submitters: Benign (3). Last evaluated 2025-12-30.

Conditions:
Intestinal hypomagnesemia 1. Also called: HYPOMAGNESEMIA, INTESTINAL, WITH SECONDARY HYPOCALCEMIA; HYPOMAGNESEMIC TETANY. Identifiers: Orphanet 30924, MedGen C1865974, MONDO:0011176, OMIM 602014.

Allele frequency attached by ClinVar (database versions not stated): gnomAD exomes 0.00032 and 0.00084; ExAC 0.00112; gnomAD 0.00336 and 0.00360; TOPMed 0.00356; ESP Exome Variant Server 0.00369; 1000 Genomes Project 0.00439; 1000 Genomes Project 30x 0.00453.
gnomAD v4.1: 996 of 1,613,442 alleles (0.062%); highest among the groups gnomAD compares: African/African-American, 1.2%; 9 homozygotes.

Submissions (3):

Labcorp Genetics (formerly Invitae), Labcorp
Classification: Benign. Last evaluated: 2025-12-30. Review status: criteria provided, single submitter. Criteria: Invitae Variant Classification Sherloc (09022015). Collection method: clinical testing. Allele origin: germline.

Illumina Laboratory Services, Illumina
Classification: Benign for Intestinal hypomagnesemia 1. Last evaluated: 2018-01-12. Review status: criteria provided, single submitter. Criteria: ICSL Variant Classification Criteria 13 December 2019. Collection method: clinical testing. Allele origin: germline.
Comment: This variant was observed in the ICSL laboratory as part of a predisposition screen in an ostensibly healthy population. It had not been previously curated by ICSL or reported in the Human Gene Mutation Database (HGMD: prior to June 1st, 2018), and was therefore a candidate for classification through an automated scoring system. Utilizing variant allele frequency, disease prevalence and penetrance estimates, and inheritance mode, an automated score was calculated to assess if this variant is too frequent to cause the disease. Based on the score and internal cut-off values, a variant classified as benign is not then subjected to further curation. The score for this variant resulted in a classification of benign for this disease.

Breakthrough Genomics
Classification: Benign. Review status: criteria provided, single submitter. Criteria: ACMG Guidelines, 2015. Collection method: not provided. Allele origin: germline. Inheritance: Autosomal recessive inheritance. Affected: yes.